The following is an entry in ClinVar:

NM_032447.5(FBN3):c.6871G>A (p.Glu2291Lys)

Gene: FBN3 (fibrillin 3; minus strand). Cytogenetic location: 19p13.2.
Variant type: single nucleotide variant.
Coding change: c.6871G>A on transcript NM_032447.5 (MANE Select); coding-DNA position 6871, G replaced by A.
Protein change: p.Glu2291Lys; replaces glutamic acid 2291 with lysine.
Molecular consequence: missense variant.
Genome position (GRCh38, 1-based): chr19:8,086,209, C>T on the plus strand (G>A on the coding strand, the complement: FBN3 is on the minus strand). VCF-style: chr19-8086209-C-T. GRCh37 (hg19) VCF-style: chr19-8151093-C-T.
Other names: c.6871G>A, p.Glu2291Lys (NM_001321431.2); c.6871G>A (NM_032447.3); short protein forms E2291K.
Identifiers: ClinVar variation 3607609 (VCV003607609.3).

ClinVar aggregate classification (germline): Uncertain significance. Review status: criteria provided, multiple submitters, no conflicts (2 of 4 stars). 2 submissions from 2 submitters: Uncertain significance (2). Last evaluated 2025-06-10.

gnomAD v4.1: 12 of 1,597,590 alleles (0.00075%); highest among the groups gnomAD compares: East Asian, 0.0046%; no homozygotes.

Submissions (2):

Ambry Genetics
Classification: Uncertain significance. Last evaluated: 2025-06-10. Review status: criteria provided, single submitter. Criteria: Ambry Variant Classification Scheme 2023. Collection method: clinical testing. Allele origin: germline.

Labcorp Genetics (formerly Invitae), Labcorp
Classification: Uncertain significance. Last evaluated: 2024-11-21. Review status: criteria provided, single submitter. Criteria: Invitae Variant Classification Sherloc (09022015). Collection method: clinical testing. Allele origin: germline.
Comment: This sequence change replaces glutamic acid, which is acidic and polar, with lysine, which is basic and polar, at codon 2291 of the FBN3 protein (p.Glu2291Lys). This variant is present in population databases (rs564631372, gnomAD 0.004%). This variant has not been reported in the literature in individuals affected with FBN3-related conditions. Invitae Evidence Modeling of protein sequence and biophysical properties (such as structural, functional, and spatial information, amino acid conservation, physicochemical variation, residue mobility, and thermodynamic stability) indicates that this missense variant is not expected to disrupt FBN3 protein function with a negative predictive value of 80%. In summary, the available evidence is currently insufficient to determine the role of this variant in disease. Therefore, it has been classified as a Variant of Uncertain Significance.